The following is an entry in ClinVar:

ClinVar aggregate classification (germline): Uncertain significance (1 of 4 stars; one submission).

Conditions:
Autosomal recessive nonsyndromic hearing loss 7. Also called: DEAFNESS, AUTOSOMAL RECESSIVE 11. Identifiers: Orphanet 90636, MedGen C1832978, MONDO:0010967, OMIM 600974.
Autosomal dominant nonsyndromic hearing loss 36. Identifiers: Orphanet 90635, MedGen C1847626, MONDO:0011708, OMIM 606705.

Submission:

Juno Genomics, Hangzhou Juno Genomics, Inc
Classification: Uncertain significance for Autosomal dominant nonsyndromic hearing loss 36; Autosomal recessive nonsyndromic hearing loss 7. Review status: criteria provided, single submitter. Criteria: ACMG Guidelines, 2015. Collection method: clinical testing. Allele origin: germline. Affected: yes.
Comment: Absent from controls (or at extremely low frequency if recessive) in Genome Aggregation Database, Exome Sequencing Project, 1000 Genomes Project, or Exome Aggregation Consortium.

NM_138691.3(TMC1):c.1014C>G (p.Ile338Met)

Gene: TMC1 (transmembrane channel like 1; plus strand). Cytogenetic location: 9q21.13.
Variant type: single nucleotide variant.
Coding change: c.1014C>G on transcript NM_138691.3 (MANE Select); coding-DNA position 1014, C replaced by G.
Protein change: p.Ile338Met; replaces isoleucine 338 with methionine.
Molecular consequence: missense variant.
Genome position (GRCh38, 1-based): chr9:72,788,468, C>G. VCF-style: chr9-72788468-C-G. GRCh37 (hg19) VCF-style: chr9-75403384-C-G.
Other names: short protein forms I338M.
Identifiers: ClinVar variation 3382875 (VCV003382875.2).